The following is an entry in ClinVar:

ClinVar aggregate classification (germline): Benign/Likely benign. Review status: criteria provided, multiple submitters, no conflicts (2 of 4 stars). 3 submissions from 3 submitters: Benign (1); Likely benign (2). Last evaluated 2025-09-18.

Conditions:
Tuberous sclerosis 2 (TSC2). Identifiers: Orphanet 805, MedGen C1860707, MONDO:0013199, OMIM 613254.
Hereditary cancer-predisposing syndrome. Also called: Neoplastic Syndromes, Hereditary; Hereditary Cancer Syndrome; Hereditary neoplastic syndrome; Tumor predisposition. Identifiers: Orphanet 140162, MedGen C0027672, MeSH D009386, MONDO:0015356.

gnomAD v4.1: 1 of 1,613,878 alleles (0.000062%); no homozygotes.

Submissions (3):

Labcorp Genetics (formerly Invitae), Labcorp
Classification: Likely benign for Tuberous sclerosis 2. Last evaluated: 2025-09-18. Review status: criteria provided, single submitter. Criteria: Invitae Variant Classification Sherloc (09022015). Collection method: clinical testing. Allele origin: germline.

Myriad Genetics, Inc.
Classification: Benign for Tuberous sclerosis 2. Last evaluated: 2025-04-30. Review status: criteria provided, single submitter. Criteria: Myriad Autosomal Dominant, Autosomal Recessive and X-Linked Classification Criteria (2023). Collection method: clinical testing. Allele origin: unknown.
Comment: This variant is considered benign. This variant is a silent/synonymous amino acid change and it is not expected to impact splicing.

Ambry Genetics
Classification: Likely benign for Hereditary cancer-predisposing syndrome. Last evaluated: 2021-07-21. Review status: criteria provided, single submitter. Criteria: Ambry Variant Classification Scheme 2023. Collection method: clinical testing. Allele origin: germline.

NM_000548.5(TSC2):c.141A>G (p.Glu47=)

Gene: TSC2 (TSC complex subunit 2; plus strand). Cytogenetic location: 16p13.3.
Variant type: single nucleotide variant.
Coding change: c.141A>G on transcript NM_000548.5 (MANE Select); coding-DNA position 141, A replaced by G.
Protein change: p.Glu47=; no amino-acid change (glutamic acid 47 retained).
Molecular consequence: synonymous variant. On other transcripts: 5 prime UTR variant (2).
Genome position (GRCh38, 1-based): chr16:2,050,402, A>G. VCF-style: chr16-2050402-A-G. GRCh37 (hg19) VCF-style: chr16-2100403-A-G.
Other names: c.141A>G, p.Glu47= (NM_001077183.3, NM_001114382.3, NM_001318827.2 and 4 more transcripts); c.-7A>G (NM_001318829.2); c.-86A>G (NM_001318831.2); c.174A>G, p.Glu58= (NM_001318832.2).
Identifiers: ClinVar variation 1561963 (VCV001561963.11), dbSNP rs137854133, ClinGen allele CA492954845.